The following is an entry in ClinVar:

ClinVar aggregate classification (germline): Uncertain significance (1 of 4 stars; one submission).

Conditions:
Hereditary cancer-predisposing syndrome. Also called: Neoplastic Syndromes, Hereditary; Tumor predisposition; Hereditary Cancer Syndrome; Hereditary neoplastic syndrome. Identifiers: Orphanet 140162, MedGen C0027672, MeSH D009386, MONDO:0015356.

Allele frequency attached by ClinVar (database versions not stated): gnomAD 0.00001; gnomAD exomes 0.00001.
gnomAD v4.1: 6 of 1,613,960 alleles (0.00037%); highest among the groups gnomAD compares: Non-Finnish European, 0.00051%; no homozygotes.

Submission:

Labcorp Genetics (formerly Invitae), Labcorp
Classification: Uncertain significance for Hereditary cancer-predisposing syndrome. Last evaluated: 2024-08-21. Review status: criteria provided, single submitter. Criteria: Invitae Variant Classification Sherloc (09022015). Collection method: clinical testing. Allele origin: germline.
Comment: This sequence change replaces lysine, which is basic and polar, with asparagine, which is neutral and polar, at codon 1206 of the RAD50 protein (p.Lys1206Asn). This variant also falls at the last nucleotide of exon 23, which is part of the consensus splice site for this exon. This variant is present in population databases (no rsID available, gnomAD 0.003%). This variant has not been reported in the literature in individuals affected with RAD50-related conditions. ClinVar contains an entry for this variant (Variation ID: 457460). An algorithm developed to predict the effect of missense changes on protein structure and function (PolyPhen-2) suggests that this variant is likely to be disruptive. Variants that disrupt the consensus splice site are a relatively common cause of aberrant splicing (PMID: 17576681, 9536098). Algorithms developed to predict the effect of sequence changes on RNA splicing suggest that this variant may disrupt the consensus splice site. In summary, the available evidence is currently insufficient to determine the role of this variant in disease. Therefore, it has been classified as a Variant of Uncertain Significance.

Literature cited by the submitters: PubMed 17576681; PubMed 9536098.

NM_005732.4(RAD50):c.3618G>T (p.Lys1206Asn)

Genes: RAD50 (RAD50 double strand break repair protein; plus strand), TH2-LCR (Th2 cytokine locus control region; plus strand), TH2LCRR (T helper type 2 locus control region associated RNA; minus strand). Cytogenetic location: 5q31.1.
Variant type: single nucleotide variant.
Coding change: c.3618G>T on transcript NM_005732.4 (MANE Select); coding-DNA position 3618, G replaced by T.
Protein change: p.Lys1206Asn; replaces lysine 1206 with asparagine.
Molecular consequence: missense variant. On other transcripts: non-coding transcript variant (3).
Genome position (GRCh38, 1-based): chr5:132,638,223, G>T. VCF-style: chr5-132638223-G-T. GRCh37 (hg19) VCF-style: chr5-131973915-G-T.
Other names: short protein forms K1206N.
Identifiers: ClinVar variation 457460 (VCV000457460.9), dbSNP rs1321474867, ClinGen allele CA360932477.